The following is an entry in ClinVar:

ClinVar aggregate classification (germline): Uncertain significance (1 of 4 stars; one submission).

Conditions:
Acrocallosal syndrome (ACLS). Also called: HALLUX DUPLICATION, POSTAXIAL POLYDACTYLY, AND ABSENCE OF CORPUS CALLOSUM; Schinzel syndrome 1; Absence of corpus callosum with unusual facial appearance, mental deficiency, duplication of the halluces and polydactyly. Identifiers: Orphanet 36, MedGen C0796147, MONDO:0008708, OMIM 200990.

Allele frequency attached by ClinVar (database versions not stated): ESP Exome Variant Server 0.00008.

Submission:

Labcorp Genetics (formerly Invitae), Labcorp
Classification: Uncertain significance for Acrocallosal syndrome. Last evaluated: 2022-02-23. Review status: criteria provided, single submitter. Criteria: Invitae Variant Classification Sherloc (09022015). Collection method: clinical testing. Allele origin: germline.
Comment: In summary, the available evidence is currently insufficient to determine the role of this variant in disease. Therefore, it has been classified as a Variant of Uncertain Significance. Algorithms developed to predict the effect of missense changes on protein structure and function are either unavailable or do not agree on the potential impact of this missense change (SIFT: "Deleterious"; PolyPhen-2: "Benign"; Align-GVGD: "Class C0"). This variant has not been reported in the literature in individuals affected with KIF7-related conditions. This variant is not present in population databases (gnomAD no frequency). This sequence change replaces arginine, which is basic and polar, with leucine, which is neutral and non-polar, at codon 780 of the KIF7 protein (p.Arg780Leu).

NM_198525.3(KIF7):c.2339G>T (p.Arg780Leu)

Gene: KIF7 (kinesin family member 7; minus strand). Cytogenetic location: 15q26.1.
Variant type: single nucleotide variant.
Coding change: c.2339G>T on transcript NM_198525.3 (MANE Select); coding-DNA position 2339, G replaced by T.
Protein change: p.Arg780Leu; replaces arginine 780 with leucine.
Molecular consequence: missense variant.
Genome position (GRCh38, 1-based): chr15:89,642,258, C>A on the plus strand (G>T on the coding strand, the complement: KIF7 is on the minus strand). VCF-style: chr15-89642258-C-A. GRCh37 (hg19) VCF-style: chr15-90185489-C-A.
Other names: short protein forms R780L.
Identifiers: ClinVar variation 1998017 (VCV001998017.4), dbSNP rs370339841, ClinGen allele CA274576940.
Genomic context (GRCh38, chr15:89,642,258, plus strand): 5'-CTAACCTGCACCTGGCTCTGGGCCGCAGCGACCCTCCTGCGGAACTCCTGGAGCCGAGAC[C>A]GCTCGCCAGCATCCTGGAGCTCCTTGCCCTCGAGCTCCCGCAGCTGCCTCTGGCCTTCAC-3'
Protein context (NP_940927.2, residues 770-790): EGKELQDAGE[Arg780Leu]SRLQEFRRRV